The following is an entry in ClinVar:

ClinVar aggregate classification (germline): Pathogenic (1 of 4 stars; one submission).

Conditions:
Oligodontia-cancer predisposition syndrome. Also called: TOOTH AGENESIS-COLORECTAL CANCER SYNDROME. Identifiers: Orphanet 300576, MedGen C1837750, MONDO:0012075, OMIM 608615. Disease mechanism: loss of function.

Submission:

Labcorp Genetics (formerly Invitae), Labcorp
Classification: Pathogenic for Oligodontia-cancer predisposition syndrome. Last evaluated: 2024-07-28. Review status: criteria provided, single submitter. Criteria: Invitae Variant Classification Sherloc (09022015). Collection method: clinical testing. Allele origin: germline.
Comment: This sequence change creates a premature translational stop signal (p.Arg778Glyfs*4) in the AXIN2 gene. It is expected to result in an absent or disrupted protein product. Loss-of-function variants in AXIN2 are known to be pathogenic (PMID: 15042511, 21416598). This variant is not present in population databases (gnomAD no frequency). This variant has not been reported in the literature in individuals affected with AXIN2-related conditions. For these reasons, this variant has been classified as Pathogenic.

Literature cited by the submitters: PubMed 15042511; PubMed 21416598.

NM_004655.4(AXIN2):c.2332del (p.Arg778fs)

Gene: AXIN2 (axin 2; minus strand). Cytogenetic location: 17q24.1.
Variant type: Deletion.
Coding change: c.2332del on transcript NM_004655.4 (MANE Select); coding-DNA position 2332, one base deleted (C; older notation c.2332delC).
Protein change: p.Arg778fs; shifts the reading frame from arginine 778.
Molecular consequence: frameshift variant.
Genome position (GRCh38, 1-based): chr17:65,533,985, G deleted on the plus strand (C on the coding strand, the reverse complement: AXIN2 is on the minus strand); the first of 2 consecutive G bases (chr17:65,533,985-65,533,986); deleting either gives the same sequence. VCF-style (leftmost placement, unchanged base first): chr17-65533984-CG-C. GRCh37 (hg19) VCF-style: chr17-63530102-CG-C.
Other names: c.2137del, p.Arg713fs (NM_001363813.1); short protein forms R778fs, R713fs.
Identifiers: ClinVar variation 3660739 (VCV003660739.2).